The following is an entry in ClinVar:

NM_015910.7(WDPCP):c.1748+18456T>C

Gene: WDPCP (WD repeat containing planar cell polarity effector; minus strand). Cytogenetic location: 2p15.
Variant type: single nucleotide variant.
Coding change: c.1748+18456T>C on transcript NM_015910.7 (MANE Select); 18456 bases into the intron after coding-DNA position 1748, T replaced by C.
Molecular consequence: intron variant. On other transcripts: missense variant (1).
Genome position (GRCh38, 1-based): chr2:63,359,930, A>G on the plus strand (T>C on the coding strand, the complement: WDPCP is on the minus strand). VCF-style: chr2-63359930-A-G. GRCh37 (hg19) VCF-style: chr2-63587065-A-G.
Other names: c.1895T>C, p.Ile632Thr (NM_001354045.2); c.1676+18456T>C (NM_001354044.2); c.1271+18456T>C (NM_001042692.3); short protein forms I632T.
Identifiers: ClinVar variation 2636340 (VCV002636340.4), dbSNP rs188691531, ClinGen allele CA49229122.
Genomic context (GRCh38, chr2:63,359,930, plus strand): 5'-GGAGTTCAAGACCAGCCTGGCCAACATGGTGAAATCCCATCTCTACTAAAAACAACAAAA[A>G]TTAGCTGGGTGTGGTGGCACATGCCAGTGGTCCCAGCTACTCGGGAGGCTGAGGCAGAAG-3'

ClinVar aggregate classification (germline): Uncertain significance (1 of 4 stars; one submission).

Conditions:
WDPCP-related disorder. Also called: WDPCP-related condition.

Allele frequency attached by ClinVar (database versions not stated): 1000 Genomes Project 30x 0.00016; 1000 Genomes Project 0.00020; TOPMed 0.00042; gnomAD 0.00047.

Submission:

PreventionGenetics, part of Exact Sciences
Classification: Uncertain significance for WDPCP-related condition. Last evaluated: 2026-06-04. Review status: criteria provided, single submitter. Criteria: ACMG Guidelines, 2015. Collection method: clinical testing. Allele origin: germline.
Comment: The WDPCP c.1895T>C variant is predicted to result in the amino acid substitution p.Ile632Thr. To our knowledge, this variant has not been reported in the literature. This variant is reported in 0.071% of alleles in individuals of European (Non-Finnish) descent in gnomAD, which may be too common to be a primary cause of disease. Although we suspect that this variant may be benign, at this time, the clinical significance of this variant is uncertain due to the absence of conclusive functional and genetic evidence.